The following is an entry in ClinVar:

NM_000548.5(TSC2):c.2663T>G (p.Leu888Arg)

Gene: TSC2 (TSC complex subunit 2; plus strand). Cytogenetic location: 16p13.3.
Variant type: single nucleotide variant.
Coding change: c.2663T>G on transcript NM_000548.5 (MANE Select); coding-DNA position 2663, T replaced by G.
Protein change: p.Leu888Arg; replaces leucine 888 with arginine.
Molecular consequence: missense variant. On other transcripts: non-coding transcript variant (5).
Genome position (GRCh38, 1-based): chr16:2,076,091, T>G. VCF-style: chr16-2076091-T-G. GRCh37 (hg19) VCF-style: chr16-2126092-T-G.
Other names: c.2663T>G, p.Leu888Arg (NM_001077183.3, NM_001114382.3, NM_001363528.2 and 6 more transcripts); c.2552T>G, p.Leu851Arg (NM_001318827.2, NM_001406670.1, NM_001406678.1); c.2516T>G, p.Leu839Arg (NM_001318829.2, NM_001406675.1, NM_001406676.1 and 1 more transcripts); c.2063T>G, p.Leu688Arg (NM_001318831.2, NM_001406680.1, NM_001406682.1 and 6 more transcripts); c.2696T>G, p.Leu899Arg (NM_001318832.2); c.2201T>G, p.Leu734Arg (NM_001406681.1); c.2753T>G, p.Leu918Arg (NM_001406667.1, NM_001406668.1); c.2651T>G, p.Leu884Arg (NM_001406671.1, NM_001406673.1); and 3 more; short protein forms L354R, L440R, L688R, L734R, L839R, L851R, L869R, L884R.
Identifiers: ClinVar variation 3346142 (VCV003346142.4).

ClinVar aggregate classification (germline): Uncertain significance. Review status: criteria provided, multiple submitters, no conflicts (2 of 4 stars). 3 submissions from 3 submitters: Uncertain significance (2). 1 of the submissions does not count toward it. Last evaluated 2026-02-11.

Conditions:
Tuberous sclerosis 2 (TSC2). Identifiers: Orphanet 805, MedGen C1860707, MONDO:0013199, OMIM 613254.
Hereditary cancer-predisposing syndrome. Also called: Hereditary neoplastic syndrome; Tumor predisposition; Neoplastic Syndromes, Hereditary; Hereditary Cancer Syndrome. Identifiers: Orphanet 140162, MedGen C0027672, MeSH D009386, MONDO:0015356.
TSC2-related disorder. Also called: TSC2-related condition; TSC2-Related Disorders.

Submissions (3):

Ambry Genetics
Classification: Uncertain significance for Hereditary cancer-predisposing syndrome. Last evaluated: 2026-02-11. Review status: criteria provided, single submitter. Criteria: Ambry Variant Classification Scheme 2023. Collection method: clinical testing. Allele origin: germline.
Comment: The p.L888R variant (also known as c.2663T>G), located in coding exon 23 of the TSC2 gene, results from a T to G substitution at nucleotide position 2663. The leucine at codon 888 is replaced by arginine, an amino acid with dissimilar properties. This amino acid position is highly conserved in available vertebrate species. In addition, this alteration is predicted to be deleterious by in silico analysis. Based on the available evidence, the clinical significance of this variant remains unclear.

Labcorp Genetics (formerly Invitae), Labcorp
Classification: Uncertain significance for Tuberous sclerosis 2. Last evaluated: 2024-08-28. Review status: criteria provided, single submitter. Criteria: Invitae Variant Classification Sherloc (09022015). Collection method: clinical testing. Allele origin: germline.
Comment: This sequence change replaces leucine, which is neutral and non-polar, with arginine, which is basic and polar, at codon 888 of the TSC2 protein (p.Leu888Arg). This variant is not present in population databases (gnomAD no frequency). This variant has not been reported in the literature in individuals affected with TSC2-related conditions. Invitae Evidence Modeling of protein sequence and biophysical properties (such as structural, functional, and spatial information, amino acid conservation, physicochemical variation, residue mobility, and thermodynamic stability) has been performed for this missense variant. However, the output from this modeling did not meet the statistical confidence thresholds required to predict the impact of this variant on TSC2 protein function. In summary, the available evidence is currently insufficient to determine the role of this variant in disease. Therefore, it has been classified as a Variant of Uncertain Significance.

PreventionGenetics, part of Exact Sciences
Classification: Uncertain significance for TSC2-related condition. Last evaluated: 2024-05-03. Review status: no assertion criteria provided. Collection method: clinical testing. Allele origin: germline. Not counted in ClinVar's aggregate classification.
Comment: The TSC2 c.2663T>G variant is predicted to result in the amino acid substitution p.Leu888Arg. To our knowledge, this variant has not been reported in the literature or in a large population database, indicating this variant is rare. At this time, the clinical significance of this variant is uncertain due to the absence of conclusive functional and genetic evidence.